The following is an entry in ClinVar:

NM_001458.5(FLNC):c.4796C>T (p.Thr1599Ile)

Gene: FLNC (filamin C; plus strand). Cytogenetic location: 7q32.1.
Variant type: single nucleotide variant.
Coding change: c.4796C>T on transcript NM_001458.5 (MANE Select); coding-DNA position 4796, C replaced by T.
Protein change: p.Thr1599Ile; replaces threonine 1599 with isoleucine.
Molecular consequence: missense variant.
Genome position (GRCh38, 1-based): chr7:128,848,851, C>T. VCF-style: chr7-128848851-C-T. GRCh37 (hg19) VCF-style: chr7-128488905-C-T.
Other names: c.4796C>T, p.Thr1599Ile (NM_001127487.2); short protein forms T1599I.
Identifiers: ClinVar variation 1479812 (VCV001479812.6), dbSNP rs2128937641, ClinGen allele CA369203108.

ClinVar aggregate classification (germline): Uncertain significance (1 of 4 stars; one submission).

Conditions:
Myofibrillar myopathy 5. Also called: Filaminopathy (type); FILAMINOPATHY, AUTOSOMAL DOMINANT. Identifiers: Orphanet 171445, MedGen C1836050, MONDO:0012289, OMIM 609524.
Distal myopathy with posterior leg and anterior hand involvement. Also called: WILLIAMS DISTAL MYOPATHY. Identifiers: Orphanet 63273, MedGen C3279722, MONDO:0013550, OMIM 614065.
Hypertrophic cardiomyopathy 26. Also called: Cardiomyopathy, familial hypertrophic, 26. Identifiers: Orphanet 75249, MedGen C4310749, MONDO:0014883, OMIM 617047.

Submission:

Labcorp Genetics (formerly Invitae), Labcorp
Classification: Uncertain significance for Distal myopathy with posterior leg and anterior hand involvement; Myofibrillar myopathy 5; Hypertrophic cardiomyopathy 26. Last evaluated: 2021-08-02. Review status: criteria provided, single submitter. Criteria: Invitae Variant Classification Sherloc (09022015). Collection method: clinical testing. Allele origin: germline.
Comment: This sequence change replaces threonine with isoleucine at codon 1599 of the FLNC protein (p.Thr1599Ile). The threonine residue is highly conserved and there is a moderate physicochemical difference between threonine and isoleucine. In summary, the available evidence is currently insufficient to determine the role of this variant in disease. Therefore, it has been classified as a Variant of Uncertain Significance. Algorithms developed to predict the effect of missense changes on protein structure and function are either unavailable or do not agree on the potential impact of this missense change (SIFT: "Deleterious"; PolyPhen-2: "Probably Damaging"; Align-GVGD: "Class C0"). This variant has not been reported in the literature in individuals affected with FLNC-related conditions. This variant is not present in population databases (ExAC no frequency).